The following is an entry in ClinVar:

NM_031220.4(PITPNM3):c.1725C>G (p.His575Gln)

Gene: PITPNM3 (PITPNM family member 3; minus strand). Cytogenetic location: 17p13.2.
Variant type: single nucleotide variant.
Coding change: c.1725C>G on transcript NM_031220.4 (MANE Select); coding-DNA position 1725, C replaced by G.
Protein change: p.His575Gln; replaces histidine 575 with glutamine.
Molecular consequence: missense variant.
Genome position (GRCh38, 1-based): chr17:6,470,308, G>C on the plus strand (C>G on the coding strand, the complement: PITPNM3 is on the minus strand). VCF-style: chr17-6470308-G-C. GRCh37 (hg19) VCF-style: chr17-6373628-G-C.
Other names: c.1617C>G, p.His539Gln (NM_001165966.2); short protein forms H539Q, H575Q.
Identifiers: ClinVar variation 2067397 (VCV002067397.4), dbSNP rs932693047, ClinGen allele CA397404633.

ClinVar aggregate classification (germline): Uncertain significance (1 of 4 stars; one submission).

Submission:

Labcorp Genetics (formerly Invitae), Labcorp
Classification: Uncertain significance. Last evaluated: 2022-01-16. Review status: criteria provided, single submitter. Criteria: Invitae Variant Classification Sherloc (09022015). Collection method: clinical testing. Allele origin: germline.
Comment: This sequence change replaces histidine, which is basic and polar, with glutamine, which is neutral and polar, at codon 575 of the PITPNM3 protein (p.His575Gln). This variant is not present in population databases (gnomAD no frequency). This variant has not been reported in the literature in individuals affected with PITPNM3-related conditions. Algorithms developed to predict the effect of missense changes on protein structure and function are either unavailable or do not agree on the potential impact of this missense change (SIFT: "Deleterious"; PolyPhen-2: "Probably Damaging"; Align-GVGD: "Class C0"). Algorithms developed to predict the effect of sequence changes on RNA splicing suggest that this variant may create or strengthen a splice site. In summary, the available evidence is currently insufficient to determine the role of this variant in disease. Therefore, it has been classified as a Variant of Uncertain Significance.